The following is an entry in ClinVar:

ClinVar aggregate classification (germline): Likely benign (1 of 4 stars; one submission).

Allele frequency attached by ClinVar (database versions not stated): 1000 Genomes Project 30x 0.00062; 1000 Genomes Project 0.00080.
gnomAD v4.1: 251 of 1,611,068 alleles (0.016%); highest among the groups gnomAD compares: East Asian, 0.31%; 1 homozygote.

Submission:

CeGaT Center for Human Genetics Tuebingen
Classification: Likely benign. Last evaluated: 2022-10-01. Review status: criteria provided, single submitter. Criteria: CeGaT Center For Human Genetics Tuebingen Variant Classification Criteria Version 2. Collection method: clinical testing. Allele origin: germline. Affected: yes. Observed: 1 variant allele.
Comment: MED16: BP4, BP7

NM_005481.3(MED16):c.1743C>T (p.Thr581=)

Gene: MED16 (mediator complex subunit 16; minus strand). Cytogenetic location: 19p13.3.
Variant type: single nucleotide variant.
Coding change: c.1743C>T on transcript NM_005481.3 (MANE Select); coding-DNA position 1743, C replaced by T.
Protein change: p.Thr581=; no amino-acid change (threonine 581 retained).
Molecular consequence: synonymous variant.
Genome position (GRCh38, 1-based): chr19:875,272, G>A on the plus strand (C>T on the coding strand, the complement: MED16 is on the minus strand). VCF-style: chr19-875272-G-A. GRCh37 (hg19) VCF-style: chr19-875272-G-A.
Identifiers: ClinVar variation 2648874 (VCV002648874.24), dbSNP rs199855041, ClinGen allele CA9027265.